The following is an entry in ClinVar:

ClinVar aggregate classification (germline): Uncertain significance. Review status: criteria provided, multiple submitters, no conflicts (2 of 4 stars). 3 submissions from 3 submitters: Uncertain significance (3). Last evaluated 2025-09-04.

Conditions:
Hereditary cancer-predisposing syndrome. Also called: Hereditary Cancer Syndrome; Neoplastic Syndromes, Hereditary; Tumor predisposition; Hereditary neoplastic syndrome. Identifiers: Orphanet 140162, MedGen C0027672, MeSH D009386, MONDO:0015356.
Breast-ovarian cancer, familial, susceptibility to, 2 (BROVCA2). Also called: BRCA2 Hereditary Breast and Ovarian Cancer. Identifiers: Orphanet 145, MedGen C2675520, MONDO:0012933, OMIM 612555. Disease mechanism: loss of function.

Submissions (3):

Ambry Genetics
Classification: Uncertain significance for Hereditary cancer-predisposing syndrome. Last evaluated: 2025-09-04. Review status: criteria provided, single submitter. Criteria: Ambry Variant Classification Scheme 2023. Collection method: clinical testing. Allele origin: germline.
Comment: The c.4033_4035delGAT variant (also known as p.D1345del) is located in coding exon 10 of the BRCA2 gene. This variant results from an in-frame GAT deletion at nucleotide positions 4033 to 4035. This results in the in-frame deletion of an aspartic acid at codon 1345. This amino acid position is not well conserved in available vertebrate species. In addition, this variant is predicted to be deleterious by in silico analysis (Choi Y et al. PLoS ONE. 2012; 7(10):e46688). Based on the available evidence, the clinical significance of this variant remains unclear.

All of Us Research Program, National Institutes of Health
Classification: Uncertain significance for Breast-ovarian cancer, familial, susceptibility to, 2. Last evaluated: 2023-08-15. Review status: criteria provided, single submitter. Criteria: ACMG Guidelines, 2015. Collection method: clinical testing. Allele origin: germline. Inheritance: Autosomal dominant inheritance. Observed: 1 variant allele, 1 heterozygote.
Comment: This variant causes an in-frame deletion of one amino acid from the BRCA2 protein. To our knowledge, functional studies have not been reported for this variant. This variant has not been reported in individuals affected with BRCA2-related disorders in the literature. This variant has not been identified in the general population by the Genome Aggregation Database (gnomAD). The available evidence is insufficient to determine the role of this variant in disease conclusively. Therefore, this variant is classified as a Variant of Uncertain Significance.

This study involves interpretation of variants in research participants for the purpose of population health screening. Participant phenotype was not available at the time of variant classification. Additional details can be found in publication PMID: 35346344, PMCID: PMC8962531

GeneDx
Classification: Uncertain significance. Last evaluated: 2014-12-31. Review status: criteria provided, single submitter. Criteria: GeneDx Variant Classification (06012015). Collection method: clinical testing. Allele origin: germline. Affected: yes.
Comment: This deletion of 3 nucleotides in BRCA2 is denoted c.4033_4035delGAT at the cDNA level and p.Asp1345del at the protein level. The normal sequence, with the bases that are deleted in brackets, is AAAT[GAT]ACTG. This in frame deletion of a single Aspartic Acid residue occurs at a position that is variable across mammals and is located in the linker region between BRC2 and BRC3 repeats and within a region that interacts with POLH (UniProt). This variant has not, to our knowledge, been published in the literature as pathogenic or benign. Since in frame deletions may or may not inhibit proper protein functioning, the clinical significance of this finding remains unclear at this time and we consider BRCA2 Asp1345del to be a variant of uncertain significance.

NM_000059.4(BRCA2):c.4033_4035del (p.Asp1345del)

Gene: BRCA2 (BRCA2 DNA repair associated; plus strand). Cytogenetic location: 13q13.1.
Variant type: Deletion.
Coding change: c.4033_4035del on transcript NM_000059.4 (MANE Select); coding-DNA positions 4033 to 4035, 3 bases deleted (GAT; older notation c.4033_4035delGAT).
Protein change: p.Asp1345del; deletes aspartic acid 1345.
Molecular consequence: inframe deletion.
Genome position (GRCh38, 1-based): chr13:32,338,388-32,338,390, GAT deleted; deleting any 3 consecutive bases within chr13:32,338,386-32,338,390 gives the same sequence; the c. name uses the placement nearest the transcript's 3' end. VCF-style (leftmost placement, unchanged base first): chr13-32338385-AATG-A. GRCh37 (hg19) VCF-style: chr13-32912522-AATG-A.
Other names: c.4033_4035delGAT (NM_000059.3); short protein forms D1345del.
Identifiers: ClinVar variation 232857 (VCV000232857.8), dbSNP rs876660030, ClinGen allele CA10579599.